The following is an entry in ClinVar:

ClinVar aggregate classification (germline): Uncertain significance (1 of 4 stars; one submission).

Conditions:
Cardiovascular phenotype. Identifiers: MedGen CN230736.

Allele frequency attached by ClinVar (database versions not stated): gnomAD exomes below 0.00001; gnomAD 0.00001; 1000 Genomes Project 30x 0.00016.
gnomAD v4.1: 2 of 1,549,314 alleles (0.00013%); highest among the groups gnomAD compares: African/African-American, 0.0014%; no homozygotes.

Submission:

Ambry Genetics
Classification: Uncertain significance for Cardiovascular phenotype. Last evaluated: 2023-06-14. Review status: criteria provided, single submitter. Criteria: Ambry Variant Classification Scheme 2023. Collection method: clinical testing. Allele origin: germline.
Comment: The p.P3224L variant (also known as c.9671C>T), located in coding exon 2 of the ZNF469 gene, results from a C to T substitution at nucleotide position 9671. The proline at codon 3224 is replaced by leucine, an amino acid with similar properties. This amino acid position is conserved. In addition, this alteration is predicted to be tolerated by in silico analysis. Since supporting evidence is limited at this time, the clinical significance of this alteration remains unclear.

NM_001367624.2(ZNF469):c.9755C>T (p.Pro3252Leu)

Gene: ZNF469 (zinc finger protein 469; plus strand). Cytogenetic location: 16q24.2.
Variant type: single nucleotide variant.
Coding change: c.9755C>T on transcript NM_001367624.2 (MANE Select); coding-DNA position 9755, C replaced by T.
Protein change: p.Pro3252Leu; replaces proline 3252 with leucine.
Molecular consequence: missense variant.
Genome position (GRCh38, 1-based): chr16:88,437,225, C>T. VCF-style: chr16-88437225-C-T. GRCh37 (hg19) VCF-style: chr16-88503633-C-T.
Other names: NM_001127464.1:c.9671C>T; short protein forms P3252L.
Identifiers: ClinVar variation 2564282 (VCV002564282.2), dbSNP rs1236031631, ClinGen allele CA397124644.